The following is an entry in ClinVar:

ClinVar aggregate classification (germline): Likely benign (1 of 4 stars; one submission).

Conditions:
Nephronophthisis 7 (NPHP7). Identifiers: Orphanet 655, MedGen C1969092, MONDO:0012680, OMIM 611498.

Allele frequency attached by ClinVar (database versions not stated): 1000 Genomes Project 0.00559; 1000 Genomes Project 30x 0.00593; gnomAD 0.00659 and 0.00712; TOPMed 0.00802.

Submission:

Illumina Laboratory Services, Illumina
Classification: Likely benign for Nephronophthisis 7. Last evaluated: 2018-01-13. Review status: criteria provided, single submitter. Criteria: ICSL Variant Classification Criteria 13 December 2019. Collection method: clinical testing. Allele origin: germline.
Comment: This variant was observed in the ICSL laboratory as part of a predisposition screen in an ostensibly healthy population. It had not been previously curated by ICSL or reported in the Human Gene Mutation Database (HGMD: prior to June 1st, 2018), and was therefore a candidate for classification through an automated scoring system. Utilizing variant allele frequency, disease prevalence and penetrance estimates, and inheritance mode, an automated score was calculated to assess if this variant is too frequent to cause the disease. Based on the score and internal cut-off values, a variant classified as likely benign is not then subjected to further curation. The score for this variant resulted in a classification of likely benign for this disease.

NM_032575.3(GLIS2):c.*874C>G

Gene: GLIS2 (GLIS family zinc finger 2; plus strand). Cytogenetic location: 16p13.3.
Variant type: single nucleotide variant.
Coding change: c.*874C>G on transcript NM_032575.3 (MANE Select); 874 bases downstream of the stop codon, C replaced by G.
Molecular consequence: 3 prime UTR variant.
Genome position (GRCh38, 1-based): chr16:4,338,398, C>G. VCF-style: chr16-4338398-C-G. GRCh37 (hg19) VCF-style: chr16-4388399-C-G.
Other names: c.*874C>G (NM_001318918.2).
Identifiers: ClinVar variation 885519 (VCV000885519.4), dbSNP rs147214646, ClinGen allele CA277079633.